The following is an entry in ClinVar:

NM_002528.7(NTHL1):c.677C>T (p.Ser226Leu)

Gene: NTHL1 (nth like DNA glycosylase 1; minus strand). Cytogenetic location: 16p13.3.
Variant type: single nucleotide variant.
Coding change: c.677C>T on transcript NM_002528.7 (MANE Select); coding-DNA position 677, C replaced by T.
Protein change: p.Ser226Leu; replaces serine 226 with leucine.
Molecular consequence: missense variant.
Genome position (GRCh38, 1-based): chr16:2,043,575, G>A on the plus strand (C>T on the coding strand, the complement: NTHL1 is on the minus strand). VCF-style: chr16-2043575-G-A. GRCh37 (hg19) VCF-style: chr16-2093576-G-A.
Other names: c.506C>T, p.Ser169Leu (NM_001318193.2); c.347C>T, p.Ser116Leu (NM_001318194.2); short protein forms S169L, S116L, S226L.
Identifiers: ClinVar variation 850856 (VCV000850856.16), dbSNP rs3211977, ClinGen allele CA7828176.

ClinVar aggregate classification (germline): Uncertain significance. Review status: criteria provided, multiple submitters, no conflicts (2 of 4 stars). 5 submissions from 5 submitters: Uncertain significance (5). Last evaluated 2026-01-19.

Conditions:
Familial adenomatous polyposis 3. Also called: NTHL1-related attenuated familial adenomatous polyposis; NTHL1-Related Adenomatous Polyposis and Colorectal Cancer; NTHL1-associated polyposis; NTHL1 Tumor Syndrome. Identifiers: Orphanet 220460, Orphanet 454840, MedGen C4225157, MONDO:0014630, OMIM 616415.
Hereditary cancer-predisposing syndrome. Also called: Neoplastic Syndromes, Hereditary; Hereditary neoplastic syndrome; Tumor predisposition; Hereditary Cancer Syndrome. Identifiers: Orphanet 140162, MedGen C0027672, MeSH D009386, MONDO:0015356.

Allele frequency attached by ClinVar (database versions not stated): gnomAD exomes below 0.00001 and 0.00002; ExAC 0.00004; gnomAD 0.00005 and 0.00007; TOPMed 0.00007; ESP Exome Variant Server 0.00015.

Submissions (5):

Labcorp Genetics (formerly Invitae), Labcorp
Classification: Uncertain significance. Last evaluated: 2026-01-19. Review status: criteria provided, single submitter. Criteria: Invitae Variant Classification Sherloc (09022015). Collection method: clinical testing. Allele origin: germline.
Comment: This sequence change replaces serine, which is neutral and polar, with leucine, which is neutral and non-polar, at codon 234 of the NTHL1 protein (p.Ser234Leu). This variant is present in population databases (rs3211977, gnomAD 0.03%). This variant has not been reported in the literature in individuals affected with NTHL1-related conditions. ClinVar contains an entry for this variant (Variation ID: 850856). An algorithm developed to predict the effect of missense changes on protein structure and function (PolyPhen-2) suggests that this variant is likely to be tolerated. In summary, the available evidence is currently insufficient to determine the role of this variant in disease. Therefore, it has been classified as a Variant of Uncertain Significance.

Ambry Genetics
Classification: Uncertain significance for Hereditary cancer-predisposing syndrome. Last evaluated: 2024-06-15. Review status: criteria provided, single submitter. Criteria: Ambry Variant Classification Scheme 2023. Collection method: clinical testing. Allele origin: germline.
Comment: The p.S234L variant (also known as c.701C>T), located in coding exon 4 of the NTHL1 gene, results from a C to T substitution at nucleotide position 701. The serine at codon 234 is replaced by leucine, an amino acid with dissimilar properties. This amino acid position is well conserved in available vertebrate species. In addition, the in silico prediction for this alteration is inconclusive. Since supporting evidence is limited at this time, the clinical significance of this alteration remains unclear.

GeneDx
Classification: Uncertain significance. Last evaluated: 2023-10-30. Review status: criteria provided, single submitter. Criteria: GeneDx Variant Classification Process June 2021. Collection method: clinical testing. Allele origin: germline. Affected: yes.
Comment: In silico analysis, which includes protein predictors and evolutionary conservation, supports a deleterious effect; Has not been previously published as pathogenic or benign to our knowledge; This variant is associated with the following publications: (PMID: 17029639, 21167187)

Baylor Genetics
Classification: Uncertain significance for Familial adenomatous polyposis 3. Last evaluated: 2023-09-18. Review status: criteria provided, single submitter. Criteria: ACMG Guidelines, 2015. Collection method: clinical testing. Allele origin: unknown.

Sema4
Classification: Uncertain significance for Hereditary cancer-predisposing syndrome. Last evaluated: 2022-02-24. Review status: criteria provided, single submitter. Criteria: Sema4 Curation Guidelines. Collection method: curation. Allele origin: germline.
Comment: To the best of our knowledge, the NTHL1 c.701C>T (p.S234L) variant has not been reported in individuals with NTHL1-related disease. This variant was observed in 6/24780 chromosomes in the African/African American population according to the Genome Aggregation Database (PMID: 32461654). This variant has been reported in ClinVar (Variation ID: 850856). Functional studies have not been performed, and in silico predictions of the variant's effect on protein function are inconclusive. The evidence is insufficient to meet ACMG/AMP criteria for classifying the variant as benign or pathogenic. Thus, the clinical significance of this variant is currently uncertain.